The following is an entry in ClinVar:

ClinVar aggregate classification (germline): Likely benign (1 of 4 stars; one submission).

Conditions:
ADAMTS20-related condition.

gnomAD v4.1: 101 of 1,613,924 alleles (0.0063%); highest among the groups gnomAD compares: Admixed American, 0.11%; no homozygotes.

Submission:

PreventionGenetics, part of Exact Sciences
Classification: Likely benign for ADAMTS20-related condition. Last evaluated: 2026-06-03. Review status: criteria provided, single submitter. Criteria: ACMG Guidelines, 2015. Collection method: clinical testing. Allele origin: germline.
Comment: This variant is classified as likely benign based on ACMG/AMP sequence variant interpretation guidelines (Richards et al. 2015 PMID: 25741868, with internal and published modifications).

NM_025003.5(ADAMTS20):c.3849G>A (p.Thr1283=)

Gene: ADAMTS20 (ADAM metallopeptidase with thrombospondin type 1 motif 20; minus strand). Cytogenetic location: 12q12.
Variant type: single nucleotide variant.
Coding change: c.3849G>A on transcript NM_025003.5 (MANE Select); coding-DNA position 3849, G replaced by A.
Protein change: p.Thr1283=; no amino-acid change (threonine 1283 retained).
Molecular consequence: synonymous variant.
Genome position (GRCh38, 1-based): chr12:43,428,337, C>T on the plus strand (G>A on the coding strand, the complement: ADAMTS20 is on the minus strand). VCF-style: chr12-43428337-C-T. GRCh37 (hg19) VCF-style: chr12-43822140-C-T.
Identifiers: ClinVar variation 4980744 (VCV004980744.1).